The following is an entry in ClinVar:

ClinVar aggregate classification (germline): Uncertain significance (1 of 4 stars; one submission).

Conditions:
Fabry disease. Also called: ALPHA-GALACTOSIDASE A DEFICIENCY; ANDERSON-FABRY DISEASE; CERAMIDE TRIHEXOSIDASE DEFICIENCY; GLA DEFICIENCY; HEREDITARY DYSTOPIC LIPIDOSIS; Angiokeratoma corporis diffusum. Identifiers: Orphanet 324, MedGen C0002986, MONDO:0010526, OMIM 301500, HP:0001071. Disease mechanism: Fabry disease is due to inactivating mutations in the X-linked GLA gene resulting in deficiency of the enzyme Alpha Galactosidase-A., loss of function.

Submission:

Genomenon, Inc
Classification: Uncertain significance for Fabry disease. Last evaluated: 2026-09-08. Review status: criteria provided, single submitter. Criteria: Genomenon Sequence Variant Interpretation Standards - Updated. Collection method: curation. Allele origin: germline. Affected: yes.
Comment: GLA p.Gln280His (c.840A>C) is a missense variant that changes the amino acid at codon 280 from Glutamine to Histidine. This variant has been observed in at least one proband with clinical features consistent with Fabry disease (PMID:28749998). It is absent or not present at a significant frequency in gnomAD. In silico models predict that this variant is possibly or probably damaging. In conclusion, we classify GLA p.Gln280His (c.840A>C) as a variant of uncertain significance.

Literature cited by the submitters: PubMed 28749998.

NM_000169.3(GLA):c.840A>C (p.Gln280His)

Genes: GLA (galactosidase alpha; minus strand), RPL36A-HNRNPH2 (RPL36A-HNRNPH2 readthrough; plus strand). Cytogenetic location: Xq22.1.
Variant type: single nucleotide variant.
Coding change: c.840A>C on transcript NM_000169.3 (MANE Select); coding-DNA position 840, A replaced by C.
Protein change: p.Gln280His; replaces glutamine 280 with histidine.
Molecular consequence: missense variant. On other transcripts: non-coding transcript variant (3), intron variant (2).
Genome position (GRCh38, 1-based): chrX:101,398,529, T>G on the plus strand (A>C on the coding strand, the complement: GLA is on the minus strand). VCF-style: chrX-101398529-T-G. GRCh37 (hg19) VCF-style: chrX-100653517-T-G.
Other names: c.963A>C, p.Gln321His (NM_001406747.1); c.840A>C, p.Gln280His (NM_001406748.1); c.300+3072T>G (NM_001199973.2); c.177+6707T>G (NM_001199974.2); short protein forms Q280H, Q321H.
Identifiers: ClinVar variation 4087543 (VCV004087543.2).